The following is an entry in ClinVar:

NM_000318.3(PEX2):c.500C>G (p.Thr167Arg)

Gene: PEX2 (peroxisomal biogenesis factor 2; minus strand). Cytogenetic location: 8q21.13.
Variant type: single nucleotide variant.
Coding change: c.500C>G on transcript NM_000318.3 (MANE Select); coding-DNA position 500, C replaced by G.
Protein change: p.Thr167Arg; replaces threonine 167 with arginine.
Molecular consequence: missense variant.
Genome position (GRCh38, 1-based): chr8:76,983,679, G>C on the plus strand (C>G on the coding strand, the complement: PEX2 is on the minus strand). VCF-style: chr8-76983679-G-C. GRCh37 (hg19) VCF-style: chr8-77895915-G-C.
Other names: c.500C>G, p.Thr167Arg (NM_001079867.2, NM_001172086.2, NM_001172087.2); short protein forms T167R.
Identifiers: ClinVar variation 1931539 (VCV001931539.3), dbSNP rs959875758, ClinGen allele CA371557207.

ClinVar aggregate classification (germline): Uncertain significance (1 of 4 stars; one submission).

Conditions:
Peroxisome biogenesis disorder 5A (Zellweger) (PBD5A). Identifiers: Orphanet 912, MedGen C3553940, MONDO:0013932, OMIM 614866.

Submission:

Labcorp Genetics (formerly Invitae), Labcorp
Classification: Uncertain significance for Peroxisome biogenesis disorder 5A (Zellweger). Last evaluated: 2024-05-15. Review status: criteria provided, single submitter. Criteria: Invitae Variant Classification Sherloc (09022015). Collection method: clinical testing. Allele origin: germline.
Comment: This sequence change replaces threonine, which is neutral and polar, with arginine, which is basic and polar, at codon 167 of the PEX2 protein (p.Thr167Arg). This variant is not present in population databases (gnomAD no frequency). This variant has not been reported in the literature in individuals affected with PEX2-related conditions. ClinVar contains an entry for this variant (Variation ID: 1931539). Advanced modeling of protein sequence and biophysical properties (such as structural, functional, and spatial information, amino acid conservation, physicochemical variation, residue mobility, and thermodynamic stability) performed at Invitae indicates that this missense variant is expected to disrupt PEX2 protein function with a positive predictive value of 80%. In summary, the available evidence is currently insufficient to determine the role of this variant in disease. Therefore, it has been classified as a Variant of Uncertain Significance.